The following is an entry in ClinVar:

NM_001267550.2(TTN):c.35026G>A (p.Glu11676Lys)

Gene: TTN (titin; minus strand). Cytogenetic location: 2q31.2.
Variant type: single nucleotide variant.
Coding change: c.35026G>A on transcript NM_001267550.2 (MANE Select); coding-DNA position 35026, G replaced by A.
Protein change: p.Glu11676Lys; replaces glutamic acid 11676 with lysine.
Molecular consequence: missense variant. On other transcripts: intron variant (3).
Genome position (GRCh38, 1-based): chr2:178,672,172, C>T on the plus strand (G>A on the coding strand, the complement: TTN is on the minus strand). VCF-style: chr2-178672172-C-T. GRCh37 (hg19) VCF-style: chr2-179536899-C-T.
Other names: c.33904G>A, p.Glu11302Lys (NM_001256850.1); c.31123G>A, p.Glu10375Lys (NM_133378.4); c.13283-29855G>A (NM_003319.4); c.13859-29855G>A (NM_133437.4); c.13658-29855G>A (NM_133432.3); short protein forms E10375K, E11302K, E11676K.
Identifiers: ClinVar variation 2632193 (VCV002632193.1), dbSNP rs755168593, ClinGen allele CA60978922.

ClinVar aggregate classification (germline): Uncertain significance (1 of 4 stars; one submission).

Conditions:
TTN-related disorder. Also called: TTN-related condition; TTN-related disease; TTN-related disorders.

Allele frequency attached by ClinVar (database versions not stated): gnomAD 0.00001; TOPMed 0.00001; gnomAD exomes 0.00002.
gnomAD v4.1: 16 of 1,587,034 alleles (0.001%); highest among the groups gnomAD compares: Non-Finnish European, 0.0014%; no homozygotes.

Submission:

PreventionGenetics, part of Exact Sciences
Classification: Uncertain significance for TTN-related condition. Last evaluated: 2023-09-13. Review status: criteria provided, single submitter. Criteria: ACMG Guidelines, 2015. Collection method: clinical testing. Allele origin: germline.
Comment: The TTN c.35026G>A variant is predicted to result in the amino acid substitution p.Glu11676Lys. To our knowledge, this variant has not been reported in the literature or in a large population database, indicating this variant is rare. At this time, the clinical significance of this variant is uncertain due to the absence of conclusive functional and genetic evidence.